The following is an entry in ClinVar:

NM_000512.5(GALNS):c.751C>T (p.Arg251Ter)

Gene: GALNS (galactosamine (N-acetyl)-6-sulfatase; minus strand). Cytogenetic location: 16q24.3.
Variant type: single nucleotide variant.
Coding change: c.751C>T on transcript NM_000512.5 (MANE Select); coding-DNA position 751, C replaced by T.
Protein change: p.Arg251Ter; replaces arginine 251 with a stop codon.
Molecular consequence: nonsense.
Genome position (GRCh38, 1-based): chr16:88,835,732, G>A on the plus strand (C>T on the coding strand, the complement: GALNS is on the minus strand). VCF-style: chr16-88835732-G-A. GRCh37 (hg19) VCF-style: chr16-88902140-G-A.
Other names: c.196C>T, p.Arg66Ter (NM_001323543.2); c.769C>T, p.Arg257Ter (NM_001323544.2); short protein forms R251*, R257*, R66*.
Identifiers: ClinVar variation 1048209 (VCV001048209.14), dbSNP rs1275386976, ClinGen allele CA397079671.
Genomic context (GRCh38, chr16:88,835,732, plus strand): 5'-AAGCACAGCTGGGGCCTCCAGCGAGGTCTATGCTCCATGGAGCCAGGACTCACCGCCCTC[G>A]CTGACTGGTGCCCAAGAAGGGTTTGGAGGCATAGACGGGTGCGTGCGTGGCGTCGACAGC-3'

ClinVar aggregate classification (germline): Pathogenic/Likely pathogenic. Review status: criteria provided, multiple submitters, no conflicts (2 of 4 stars). 4 submissions from 4 submitters: Pathogenic (3); Likely pathogenic (1). Last evaluated 2025-03-10.

Conditions:
Mucopolysaccharidosis, MPS-IV-A (MPS4A). Also called: Mucopolysaccharidosis type IV A; Mucopolysaccharidosis Type IVA; Morquio syndrome A, mild; MORQUIO SYNDROME A; MPS IVA; mucopolysaccharidosis type 4A. Identifiers: Orphanet 309297, Orphanet 582, MedGen C0086651, MONDO:0009659, OMIM 253000.

Allele frequency attached by ClinVar (database versions not stated): gnomAD exomes 0.00001.
gnomAD v4.1: 7 of 1,613,990 alleles (0.00043%); highest among the groups gnomAD compares: Non-Finnish European, 0.00059%; no homozygotes.

Submissions (5):

Revvity Omics, Revvity
Classification: Pathogenic for Mucopolysaccharidosis, MPS-IV-A. Last evaluated: 2025-03-10. Review status: criteria provided, single submitter. Criteria: ACMG Guidelines, 2015. Collection method: clinical testing. Allele origin: germline.

Labcorp Genetics (formerly Invitae), Labcorp
Classification: Pathogenic for Mucopolysaccharidosis, MPS-IV-A. Last evaluated: 2024-08-31. Review status: criteria provided, single submitter. Criteria: Invitae Variant Classification Sherloc (09022015). Collection method: clinical testing. Allele origin: germline.
Comment: This sequence change creates a premature translational stop signal (p.Arg251*) in the GALNS gene. It is expected to result in an absent or disrupted protein product. Loss-of-function variants in GALNS are known to be pathogenic (PMID: 12442278). This variant is not present in population databases (gnomAD no frequency). This premature translational stop signal has been observed in individual(s) with mucopolysaccharidosis type IVA (PMID: 24726177). ClinVar contains an entry for this variant (Variation ID: 1048209). Algorithms developed to predict the effect of sequence changes on RNA splicing suggest that this variant may disrupt the consensus splice site. For these reasons, this variant has been classified as Pathogenic.

Genome-Nilou Lab
Classification: Pathogenic for Mucopolysaccharidosis, MPS-IV-A. Last evaluated: 2021-11-07. Review status: criteria provided, single submitter. Criteria: ACMG Guidelines, 2015. Collection method: clinical testing. Allele origin: germline. Affected: no.

Laboratory of Diagnosis and Therapy of Lysosomal Disorders, University of Padova
Classification: Likely pathogenic for Mucopolysaccharidosis, MPS-IV-A. Last evaluated: 2021-02-01. Review status: criteria provided, single submitter. Criteria: ACMG Guidelines, 2015. Collection method: curation. Allele origin: germline. Affected: yes.
Comment: Nonsense variant (PVS1_very strong); absent from gnomAD v2.1.1 (PM2_moderate)

Dr. Peter K. Rogan Lab, Western University
No classification provided (evidence only). Condition: Melanoma. Review status: no classification provided. Collection method: in vitro. Allele origin: not applicable. Functional consequence: retained intron. Not counted in ClinVar's aggregate classification.

Literature cited by the submitters: PubMed 12442278 (cited by Labcorp Genetics (formerly Invitae), Labcorp); PubMed 24726177 (cited by Labcorp Genetics (formerly Invitae), Labcorp and Laboratory of Diagnosis and Therapy of Lysosomal Disorders, University of Padova); PubMed 34387910 (cited by Laboratory of Diagnosis and Therapy of Lysosomal Disorders, University of Padova).